The following is an entry in ClinVar:

NM_001457.4(FLNB):c.1889G>T (p.Ser630Ile)

Gene: FLNB (filamin B; plus strand). Cytogenetic location: 3p14.3.
Variant type: single nucleotide variant.
Coding change: c.1889G>T on transcript NM_001457.4 (MANE Select); coding-DNA position 1889, G replaced by T.
Protein change: p.Ser630Ile; replaces serine 630 with isoleucine.
Molecular consequence: missense variant.
Genome position (GRCh38, 1-based): chr3:58,106,821, G>T. VCF-style: chr3-58106821-G-T. GRCh37 (hg19) VCF-style: chr3-58092548-G-T.
Other names: c.1889G>T, p.Ser630Ile (NM_001164317.2, NM_001164318.2, NM_001164319.2); short protein forms S630I.
Identifiers: ClinVar variation 4763593 (VCV004763593.1).

ClinVar aggregate classification (germline): Uncertain significance (1 of 4 stars; one submission).

Submission:

Labcorp Genetics (formerly Invitae), Labcorp
Classification: Uncertain significance. Last evaluated: 2025-11-01. Review status: criteria provided, single submitter. Criteria: Invitae Variant Classification Sherloc (09022015). Collection method: clinical testing. Allele origin: germline.
Comment: This sequence change replaces serine, which is neutral and polar, with isoleucine, which is neutral and non-polar, at codon 630 of the FLNB protein (p.Ser630Ile). The frequency data for this variant in the population databases is considered unreliable, as metrics indicate poor data quality at this position in the gnomAD database. This variant has not been reported in the literature in individuals affected with FLNB-related conditions. Invitae Evidence Modeling of protein sequence and biophysical properties (such as structural, functional, and spatial information, amino acid conservation, physicochemical variation, residue mobility, and thermodynamic stability) indicates that this missense variant is not expected to disrupt FLNB protein function with a negative predictive value of 80%. In summary, the available evidence is currently insufficient to determine the role of this variant in disease. Therefore, it has been classified as a Variant of Uncertain Significance.